The following is an entry in ClinVar:

NM_020778.5(ALPK3):c.685G>A (p.Gly229Arg)

Gene: ALPK3 (alpha kinase 3; plus strand). Cytogenetic location: 15q25.3.
Variant type: single nucleotide variant.
Coding change: c.685G>A on transcript NM_020778.5 (MANE Select); coding-DNA position 685, G replaced by A.
Protein change: p.Gly229Arg; replaces glycine 229 with arginine.
Molecular consequence: missense variant.
Genome position (GRCh38, 1-based): chr15:84,839,964, G>A. VCF-style: chr15-84839964-G-A. GRCh37 (hg19) VCF-style: chr15-85383195-G-A.
Other names: short protein forms G229R.
Identifiers: ClinVar variation 1944951 (VCV001944951.5), dbSNP rs1567089549, ClinGen allele CA393373300.

ClinVar aggregate classification (germline): Uncertain significance (1 of 4 stars; one submission).

Allele frequency attached by ClinVar (database versions not stated): gnomAD exomes below 0.00001.

Submission:

Labcorp Genetics (formerly Invitae), Labcorp
Classification: Uncertain significance. Last evaluated: 2022-03-20. Review status: criteria provided, single submitter. Criteria: Invitae Variant Classification Sherloc (09022015). Collection method: clinical testing. Allele origin: germline.
Comment: The frequency data for this variant in the population databases is considered unreliable, as metrics indicate poor data quality at this position in the gnomAD database. This variant has not been reported in the literature in individuals affected with ALPK3-related conditions. Algorithms developed to predict the effect of missense changes on protein structure and function output the following: SIFT: "Tolerated"; PolyPhen-2: "Benign"; Align-GVGD: "Class C0". The arginine amino acid residue is found in multiple mammalian species, which suggests that this missense change does not adversely affect protein function. In summary, the available evidence is currently insufficient to determine the role of this variant in disease. Therefore, it has been classified as a Variant of Uncertain Significance. This sequence change replaces glycine, which is neutral and non-polar, with arginine, which is basic and polar, at codon 431 of the ALPK3 protein (p.Gly431Arg).